The following is an entry in ClinVar:

NM_006929.5(SKIC2):c.1754_1760del (p.Gly585fs)

Gene: SKIC2 (SKI2 subunit of superkiller complex; plus strand). Cytogenetic location: 6p21.33.
Variant type: Deletion.
Coding change: c.1754_1760del on transcript NM_006929.5 (MANE Select); coding-DNA positions 1754 to 1760, 7 bases deleted (GCCTCAC; older notation c.1754_1760delGCCTCAC).
Protein change: p.Gly585fs; shifts the reading frame from glycine 585.
Molecular consequence: frameshift variant.
Genome position (GRCh38, 1-based): chr6:31,964,019-31,964,025, GCCTCAC deleted. VCF-style (leftmost placement, unchanged base first): chr6-31964018-GGCCTCAC-G. GRCh37 (hg19) VCF-style: chr6-31931795-GGCCTCAC-G.
Other names: short protein forms G585fs.
Identifiers: ClinVar variation 2744028 (VCV002744028.3), dbSNP rs2482946278, ClinGen allele CA2678082482.

ClinVar aggregate classification (germline): Pathogenic (1 of 4 stars; one submission).

Allele frequency attached by ClinVar (database versions not stated): gnomAD exomes 0.00002.

Submission:

Labcorp Genetics (formerly Invitae), Labcorp
Classification: Pathogenic. Last evaluated: 2023-07-16. Review status: criteria provided, single submitter. Criteria: Invitae Variant Classification Sherloc (09022015). Collection method: clinical testing. Allele origin: germline.
Comment: For these reasons, this variant has been classified as Pathogenic. This variant has not been reported in the literature in individuals affected with SKIV2L-related conditions. This variant is not present in population databases (gnomAD no frequency). This sequence change creates a premature translational stop signal (p.Gly585Alafs*42) in the SKIV2L gene. It is expected to result in an absent or disrupted protein product. Loss-of-function variants in SKIV2L are known to be pathogenic (PMID: 22444670).

Literature cited by the submitters: PubMed 22444670.